The following is an entry in ClinVar:

ClinVar aggregate classification (germline): Uncertain significance. Review status: criteria provided, multiple submitters, no conflicts (2 of 4 stars). 3 submissions from 3 submitters: Uncertain significance (3). Last evaluated 2025-08-23.

Conditions:
Inborn genetic diseases. Identifiers: MedGen C0950123, MeSH D030342.
Intellectual developmental disorder, autosomal dominant 43. Also called: Intellectual disability, autosomal dominant 43. Identifiers: MedGen C4707429, MONDO:0014858, OMIM 616977.

Allele frequency attached by ClinVar (database versions not stated): gnomAD exomes 0.00001; gnomAD 0.00003; TOPMed 0.00003.

Submissions (3):

Ambry Genetics
Classification: Uncertain significance for Inborn genetic diseases. Last evaluated: 2025-08-23. Review status: criteria provided, single submitter. Criteria: Ambry Variant Classification Scheme 2023. Collection method: clinical testing. Allele origin: germline.

Labcorp Genetics (formerly Invitae), Labcorp
Classification: Uncertain significance. Last evaluated: 2023-06-20. Review status: criteria provided, single submitter. Criteria: Invitae Variant Classification Sherloc (09022015). Collection method: clinical testing. Allele origin: germline.
Comment: In summary, the available evidence is currently insufficient to determine the role of this variant in disease. Therefore, it has been classified as a Variant of Uncertain Significance. Advanced modeling of protein sequence and biophysical properties (such as structural, functional, and spatial information, amino acid conservation, physicochemical variation, residue mobility, and thermodynamic stability) performed at Invitae indicates that this missense variant is expected to disrupt HIVEP2 protein function. This variant has not been reported in the literature in individuals affected with HIVEP2-related conditions. This variant is present in population databases (no rsID available, gnomAD 0.003%). This sequence change replaces serine, which is neutral and polar, with arginine, which is basic and polar, at codon 341 of the HIVEP2 protein (p.Ser341Arg).

Neuberg Centre For Genomic Medicine, NCGM
Classification: Uncertain significance for Intellectual developmental disorder, autosomal dominant 43. Review status: criteria provided, single submitter. Criteria: ACMG Guidelines, 2015. Collection method: clinical testing. Allele origin: germline. Inheritance: Autosomal dominant inheritance. Affected: yes.
Comment: The missense c.1023C>G (p.Ser341Arg) variant in HIVEP2 gene has not been reported previously as a pathogenic variant nor as a benign variant, to our knowledge. The p.Ser341Arg variant has allele frequency 0.001% in gnomAD Exomes and is novel (not in any individuals) in 1000 Genomes. This variant has not been reported to the ClinVar database. The amino acid change p.Ser341Arg in HIVEP2 is predicted as conserved by GERP++ and PhyloP across 100 vertebrates. The amino acid Ser at position 341 is changed to a Arg changing protein sequence and it might alter its composition and physico-chemical properties. Although most variants are loss of function, few missense variants have also been reported, but they were proved to be denovo (Steinfeld H et al. 2016). For these reasons, this variant has been classified as Variant of Uncertain Significance (VUS).

NM_006734.4(HIVEP2):c.1023C>G (p.Ser341Arg)

Gene: HIVEP2 (HIVEP zinc finger 2; minus strand). Cytogenetic location: 6q24.2.
Variant type: single nucleotide variant.
Coding change: c.1023C>G on transcript NM_006734.4 (MANE Select); coding-DNA position 1023, C replaced by G.
Protein change: p.Ser341Arg; replaces serine 341 with arginine.
Molecular consequence: missense variant.
Genome position (GRCh38, 1-based): chr6:142,773,716, G>C on the plus strand (C>G on the coding strand, the complement: HIVEP2 is on the minus strand). VCF-style: chr6-142773716-G-C. GRCh37 (hg19) VCF-style: chr6-143094853-G-C.
Other names: c.1023C>G (NM_006734.3); short protein forms S341R.
Identifiers: ClinVar variation 2664217 (VCV002664217.5), dbSNP rs1329294529, ClinGen allele CA365914750.
Genomic context (GRCh38, chr6:142,773,716, plus strand): 5'-ATCATCAGCCTTAGTATTTAAAGATGGATTTGGTAGCATATCAGGGCCAATATACTGAGA[G>C]CTTTCATTAGGGAGAGGAATCCCACTTTTAGGGATAATCAAAATCGGCACCTTCATTGGA-3'
Protein context (NP_006725.3, residues 331-351): PKSGIPLPNE[Ser341Arg]SQYIGPDMLP